The following is an entry in ClinVar:

ClinVar aggregate classification (germline): Uncertain significance (1 of 4 stars; one submission).

Submission:

GeneDx
Classification: Uncertain significance. Last evaluated: 2024-08-26. Review status: criteria provided, single submitter. Criteria: GeneDx Variant Classification Process June 2021. Collection method: clinical testing. Allele origin: germline. Affected: yes.
Comment: Not observed at significant frequency in large population cohorts (gnomAD); In silico analysis supports that this missense variant has a deleterious effect on protein structure/function; Has not been previously published as pathogenic or benign to our knowledge

NM_181552.4(CUX1):c.3574C>T (p.Pro1192Ser)

Gene: CUX1 (cut like homeobox 1; plus strand). Cytogenetic location: 7q22.1.
Variant type: single nucleotide variant.
Coding change: c.3574C>T on transcript NM_181552.4 (MANE Select); coding-DNA position 3574, C replaced by T.
Protein change: p.Pro1192Ser; replaces proline 1192 with serine.
Molecular consequence: missense variant. On other transcripts: intron variant (5).
Genome position (GRCh38, 1-based): chr7:102,234,192, C>T. VCF-style: chr7-102234192-C-T. GRCh37 (hg19) VCF-style: chr7-101877472-C-T.
Other names: c.3607C>T, p.Pro1203Ser (NM_001202543.2); c.1255+38589C>T (NM_001913.5); c.1249+38589C>T (NM_181500.4); c.1117+38589C>T (NM_001202545.3); c.1207+38589C>T (NM_001202544.3); c.1138+38589C>T (NM_001202546.3); short protein forms P1192S, P1203S.
Identifiers: ClinVar variation 3766223 (VCV003766223.1).
Genomic context (GRCh38, chr7:102,234,192, plus strand): 5'-CATAAGCTCAGTCTGAAAGGACGAGAGCCCTTCGTCCGGATGCAGCTGTGGCTGAACGAC[C>T]CCAACAATGTGGAGAAGCTGATGGACATGAAACGGATGGAGAAGAAAGGTAAGTCTCCCT-3'
Protein context (NP_853530.2, residues 1182-1202): FVRMQLWLND[Pro1192Ser]NNVEKLMDMK